The following is an entry in ClinVar:

NM_002439.5(MSH3):c.2159A>G (p.Gln720Arg)

Gene: MSH3 (mutS homolog 3; plus strand). Cytogenetic location: 5q14.1.
Variant type: single nucleotide variant.
Coding change: c.2159A>G on transcript NM_002439.5 (MANE Select); coding-DNA position 2159, A replaced by G.
Protein change: p.Gln720Arg; replaces glutamine 720 with arginine.
Molecular consequence: missense variant.
Genome position (GRCh38, 1-based): chr5:80,768,909, A>G. VCF-style: chr5-80768909-A-G. GRCh37 (hg19) VCF-style: chr5-80064728-A-G.
Other names: short protein forms Q720R.
Identifiers: ClinVar variation 3913652 (VCV003913652.1).

ClinVar aggregate classification (germline): Uncertain significance (1 of 4 stars; one submission).

Conditions:
Hereditary cancer-predisposing syndrome. Also called: Hereditary Cancer Syndrome; Hereditary neoplastic syndrome; Neoplastic Syndromes, Hereditary; Tumor predisposition. Identifiers: Orphanet 140162, MedGen C0027672, MeSH D009386, MONDO:0015356.

Submission:

Ambry Genetics
Classification: Uncertain significance for Hereditary cancer-predisposing syndrome. Last evaluated: 2025-05-23. Review status: criteria provided, single submitter. Criteria: Ambry Variant Classification Scheme 2023. Collection method: clinical testing. Allele origin: germline.
Comment: The p.Q720R variant (also known as c.2159A>G), located in coding exon 15 of the MSH3 gene, results from an A to G substitution at nucleotide position 2159. The glutamine at codon 720 is replaced by arginine, an amino acid with highly similar properties. This amino acid position is conserved. In addition, the in silico prediction for this alteration is inconclusive. Based on the available evidence, the clinical significance of this variant remains unclear.